The following is an entry in ClinVar:

NM_000400.4(ERCC2):c.1984_1985del (p.Gln662fs)

Gene: ERCC2 (ERCC excision repair 2, TFIIH core complex helicase subunit; minus strand). Cytogenetic location: 19q13.32.
Variant type: Deletion.
Coding change: c.1984_1985del on transcript NM_000400.4 (MANE Select); coding-DNA positions 1984 to 1985, 2 bases deleted (CA; older notation c.1984_1985delCA).
Protein change: p.Gln662fs; shifts the reading frame from glutamine 662.
Molecular consequence: frameshift variant.
Genome position (GRCh38, 1-based): chr19:45,352,567-45,352,568, TG deleted on the plus strand (CA on the coding strand, the reverse complement: ERCC2 is on the minus strand). VCF-style (leftmost placement, unchanged base first): chr19-45352566-CTG-C. GRCh37 (hg19) VCF-style: chr19-45855824-CTG-C.
Other names: short protein forms Q662fs.
Identifiers: ClinVar variation 2773219 (VCV002773219.4), dbSNP rs769795873, ClinGen allele CA9512948.

ClinVar aggregate classification (germline): Pathogenic/Likely pathogenic. Review status: criteria provided, multiple submitters, no conflicts (2 of 4 stars). 2 submissions from 2 submitters: Pathogenic (1); Likely pathogenic (1). Last evaluated 2024-06-03.

Conditions:
Cerebrooculofacioskeletal syndrome 2 (COFS2). Identifiers: MedGen C1853102, MONDO:0012553, OMIM 610756.
Xeroderma pigmentosum, group D (XPD). Also called: XERODERMA PIGMENTOSUM IV; XP, GROUP D; XP, GROUP H; XERODERMA PIGMENTOSUM, COMPLEMENTATION GROUP D; ERCC2-Related Xeroderma Pigmentosum. Identifiers: MedGen C0268138, MONDO:0010212, OMIM 278730.
Trichothiodystrophy 1, photosensitive (TTD1). Also called: TAY SYNDROME; TRICHOTHIODYSTROPHY WITH CONGENITAL ICHTHYOSIS; PIBIDS SYNDROME. Identifiers: Orphanet 33364, MedGen C1866504, MONDO:0011125, OMIM 601675.

Allele frequency attached by ClinVar (database versions not stated): gnomAD exomes below 0.00001; ExAC 0.00001.

Submissions (2):

Fulgent Genetics
Classification: Likely pathogenic for Xeroderma pigmentosum, group D; Trichothiodystrophy 1, photosensitive; Cerebrooculofacioskeletal syndrome 2. Last evaluated: 2024-06-03. Review status: criteria provided, single submitter. Criteria: ACMG Guidelines, 2015. Collection method: clinical testing. Allele origin: germline.

Labcorp Genetics (formerly Invitae), Labcorp
Classification: Pathogenic. Last evaluated: 2023-11-01. Review status: criteria provided, single submitter. Criteria: Invitae Variant Classification Sherloc (09022015). Collection method: clinical testing. Allele origin: germline.
Comment: This sequence change results in a frameshift in the ERCC2 gene (p.Gln662Valfs*111). While this is not anticipated to result in nonsense mediated decay, it is expected to disrupt the last 99 amino acid(s) of the ERCC2 protein and extend the protein by 11 additional amino acid residues. This variant is present in population databases (rs769795873, gnomAD 0.003%). This variant has not been reported in the literature in individuals affected with ERCC2-related conditions. This variant disrupts a region of the ERCC2 protein in which other variant(s) (p.Ala725Pro) have been determined to be pathogenic (PMID: 9195225, 23232694, 25002996). This suggests that this is a clinically significant region of the protein, and that variants that disrupt it are likely to be disease-causing. For these reasons, this variant has been classified as Pathogenic.

Literature cited by the submitters: PubMed 9195225 (cited by Labcorp Genetics (formerly Invitae), Labcorp); PubMed 23232694 (cited by Labcorp Genetics (formerly Invitae), Labcorp); PubMed 25002996 (cited by Labcorp Genetics (formerly Invitae), Labcorp).